The following is an entry in ClinVar:

NM_001130144.3(LTBP3):c.3292G>C (p.Val1098Leu)

Gene: LTBP3 (latent transforming growth factor beta binding protein 3; minus strand). Cytogenetic location: 11q13.1.
Variant type: single nucleotide variant.
Coding change: c.3292G>C on transcript NM_001130144.3 (MANE Select); coding-DNA position 3292, G replaced by C.
Protein change: p.Val1098Leu; replaces valine 1098 with leucine.
Molecular consequence: missense variant. On other transcripts: intron variant (2).
Genome position (GRCh38, 1-based): chr11:65,540,106, C>G on the plus strand (G>C on the coding strand, the complement: LTBP3 is on the minus strand). VCF-style: chr11-65540106-C-G. GRCh37 (hg19) VCF-style: chr11-65307577-C-G.
Other names: c.2893+139G>C (NM_001164266.1); c.3244+139G>C (NM_021070.4); short protein forms V1098L.
Identifiers: ClinVar variation 3541127 (VCV003541127.3).
Genomic context (GRCh38, chr11:65,540,106, plus strand): 5'-CGGAGGGCCCGGGCACCCAGGGCGGGCGACACTCGCAGCGGTAGGAGCCCGGCAGGTTGA[C>G]GCAGCGGCCAGGGCGGCAGGCTGCCGGGTCCTGGCACTCGTCCACGTCTACGAACAGCGA-3'
Protein context (NP_001123616.1, residues 1088-1108): DPAACRPGRC[Val1098Leu]NLPGSYRCEC

ClinVar aggregate classification (germline): Uncertain significance. Review status: criteria provided, multiple submitters, no conflicts (2 of 4 stars). 2 submissions from 2 submitters: Uncertain significance (2). Last evaluated 2025-11-09.

Conditions:
Inborn genetic diseases. Identifiers: MedGen C0950123, MeSH D030342.
Brachyolmia-amelogenesis imperfecta syndrome. Also called: PLATYSPONDYLY WITH AMELOGENESIS IMPERFECTA; Tooth agenesis, selective, 6; Dental anomalies and short stature. Identifiers: Orphanet 2899, MedGen C1832594, MONDO:0011018, OMIM 601216. Disease mechanism: loss of function.

gnomAD v4.1: 23 of 1,526,526 alleles (0.0015%); highest among the groups gnomAD compares: Admixed American, 0.002%; no homozygotes.

Submissions (2):

Labcorp Genetics (formerly Invitae), Labcorp
Classification: Uncertain significance for Brachyolmia-amelogenesis imperfecta syndrome. Last evaluated: 2025-11-09. Review status: criteria provided, single submitter. Criteria: Invitae Variant Classification Sherloc (09022015). Collection method: clinical testing. Allele origin: germline.
Comment: This sequence change replaces valine, which is neutral and non-polar, with leucine, which is neutral and non-polar, at codon 1098 of the LTBP3 protein (p.Val1098Leu). This variant is present in population databases (no rsID available, gnomAD 0.01%). This variant has not been reported in the literature in individuals affected with LTBP3-related conditions. ClinVar contains an entry for this variant (Variation ID: 3541127). An algorithm developed to predict the effect of missense changes on protein structure and function (PolyPhen-2) suggests that this variant is likely to be tolerated. In summary, the available evidence is currently insufficient to determine the role of this variant in disease. Therefore, it has been classified as a Variant of Uncertain Significance.

Ambry Genetics
Classification: Uncertain significance for Inborn genetic diseases. Last evaluated: 2024-12-07. Review status: criteria provided, single submitter. Criteria: Ambry Variant Classification Scheme 2023. Collection method: clinical testing. Allele origin: germline.
Comment: The p.V1098L variant (also known as c.3292G>C), located in coding exon 24 of the LTBP3 gene, results from a G to C substitution at nucleotide position 3292. The valine at codon 1098 is replaced by leucine, an amino acid with highly similar properties. This amino acid position is conserved. In addition, this alteration is predicted to be tolerated by in silico analysis. Based on the available evidence, the clinical significance of this variant remains unclear.